The following is an entry in ClinVar:

NM_000057.4(BLM):c.2090T>C (p.Leu697Ser)

Gene: BLM (BLM RecQ like helicase; plus strand). Cytogenetic location: 15q26.1.
Variant type: single nucleotide variant.
Coding change: c.2090T>C on transcript NM_000057.4 (MANE Select); coding-DNA position 2090, T replaced by C.
Protein change: p.Leu697Ser; replaces leucine 697 with serine.
Molecular consequence: missense variant.
Genome position (GRCh38, 1-based): chr15:90,765,311, T>C. VCF-style: chr15-90765311-T-C. GRCh37 (hg19) VCF-style: chr15-91308541-T-C.
Other names: c.2090T>C, p.Leu697Ser (NM_001287246.2, NM_001287247.2); c.965T>C, p.Leu322Ser (NM_001287248.2); c.2090T>C (NM_000057.2); short protein forms L697S, L322S.
Identifiers: ClinVar variation 962166 (VCV000962166.9), dbSNP rs1896092004, ClinGen allele CA393844538.
Genomic context (GRCh38, chr15:90,765,311, plus strand): 5'-CTGAAGACAGAACCTGACAGATATTTTTTCATTGTTCTCTTTCAGGAGGTGGTAAGAGTT[T>C]GTGTTACCAGCTCCCTGCCTGTGTTTCTCCTGGGGTCACTGTTGTCATTTCTCCCTTGAG-3'
Protein context (NP_000048.1, residues 687-707): ILMPTGGGKS[Leu697Ser]CYQLPACVSP

ClinVar aggregate classification (germline): Uncertain significance. Review status: criteria provided, multiple submitters, no conflicts (2 of 4 stars). 3 submissions from 3 submitters: Uncertain significance (3). Last evaluated 2024-11-28.

Conditions:
Hereditary cancer-predisposing syndrome. Also called: Tumor predisposition; Hereditary neoplastic syndrome; Hereditary Cancer Syndrome; Neoplastic Syndromes, Hereditary. Identifiers: Orphanet 140162, MedGen C0027672, MeSH D009386, MONDO:0015356.
Bloom syndrome (BLM). Also called: Bloom-Torre-Machacek syndrome. Identifiers: Orphanet 125, MedGen C0005859, MONDO:0008876, OMIM 210900.

Submissions (3):

Ambry Genetics
Classification: Uncertain significance for Hereditary cancer-predisposing syndrome. Last evaluated: 2024-11-28. Review status: criteria provided, single submitter. Criteria: Ambry Variant Classification Scheme 2023. Collection method: clinical testing. Allele origin: germline.
Comment: The p.L697S variant (also known as c.2090T>C), located in coding exon 8 of the BLM gene, results from a T to C substitution at nucleotide position 2090. The leucine at codon 697 is replaced by serine, an amino acid with dissimilar properties. This amino acid position is conserved. In addition, this alteration is predicted to be deleterious by in silico analysis. Based on the available evidence, the clinical significance of this variant remains unclear.

Quest Diagnostics Nichols Institute San Juan Capistrano
Classification: Uncertain significance. Last evaluated: 2024-11-15. Review status: criteria provided, single submitter. Criteria: Quest Diagnostics criteria. Collection method: clinical testing. Allele origin: unknown.
Comment: The BLM c.2090T>C (p.Leu697Ser) variant has not been reported in individuals with BLM-related conditions in the published literature. It also has not been reported in large, multi-ethnic general populations (Genome Aggregation Database). Analysis of this variant using bioinformatics tools for the prediction of the effect of amino acid changes on protein structure and function yielded predictions that this variant is damaging. Based on the available information, we are unable to determine the clinical significance of this variant.

Labcorp Genetics (formerly Invitae), Labcorp
Classification: Uncertain significance for Bloom syndrome. Last evaluated: 2021-08-30. Review status: criteria provided, single submitter. Criteria: Invitae Variant Classification Sherloc (09022015). Collection method: clinical testing. Allele origin: germline.
Comment: This sequence change replaces leucine with serine at codon 697 of the BLM protein (p.Leu697Ser). The leucine residue is highly conserved and there is a large physicochemical difference between leucine and serine. This variant is not present in population databases (ExAC no frequency). This variant has not been reported in the literature in individuals affected with BLM-related conditions. Algorithms developed to predict the effect of missense changes on protein structure and function are either unavailable or do not agree on the potential impact of this missense change (SIFT: "Deleterious"; PolyPhen-2: "Probably Damaging"; Align-GVGD: "Class C0"). In summary, the available evidence is currently insufficient to determine the role of this variant in disease. Therefore, it has been classified as a Variant of Uncertain Significance.